The following is an entry in ClinVar:

NM_000038.6(APC):c.7376C>T (p.Ser2459Phe)

Gene: APC (APC regulator of Wnt signaling pathway; plus strand). Cytogenetic location: 5q22.2.
Variant type: single nucleotide variant.
Coding change: c.7376C>T on transcript NM_000038.6 (MANE Select); coding-DNA position 7376, C replaced by T.
Protein change: p.Ser2459Phe; replaces serine 2459 with phenylalanine.
Molecular consequence: missense variant. On other transcripts: non-coding transcript variant (2).
Genome position (GRCh38, 1-based): chr5:112,842,970, C>T. VCF-style: chr5-112842970-C-T. GRCh37 (hg19) VCF-style: chr5-112178667-C-T.
Other names: c.7376C>T, p.Ser2459Phe (NM_001127510.3, NM_001354895.2, NM_001407450.1); c.7322C>T, p.Ser2441Phe (NM_001127511.3); c.7430C>T, p.Ser2477Phe (NM_001354896.2, NM_001407447.1, NM_001407448.1 and 1 more transcripts); c.7406C>T, p.Ser2469Phe (NM_001354897.2); c.7301C>T, p.Ser2434Phe (NM_001354898.2); c.7292C>T, p.Ser2431Phe (NM_001354899.2); c.7253C>T, p.Ser2418Phe (NM_001354900.2); c.7199C>T, p.Ser2400Phe (NM_001354901.2, NM_001407453.1); and 11 more; short protein forms S2075F, S2330F, S2358F, S2368F, S2400F, S2487F, S2418F, S2431F.
Identifiers: ClinVar variation 5025418 (VCV005025418.1).

ClinVar aggregate classification (germline): Uncertain significance (1 of 4 stars; one submission).

Conditions:
Hereditary cancer-predisposing syndrome. Also called: Neoplastic Syndromes, Hereditary; Tumor predisposition; Hereditary neoplastic syndrome; Hereditary Cancer Syndrome. Identifiers: Orphanet 140162, MedGen C0027672, MeSH D009386, MONDO:0015356.

Submission:

Ambry Genetics
Classification: Uncertain significance for Hereditary cancer-predisposing syndrome. Last evaluated: 2026-07-13. Review status: criteria provided, single submitter. Criteria: Ambry Variant Classification Scheme 2023. Collection method: clinical testing. Allele origin: germline.
Comment: The p.S2459F variant (also known as c.7376C>T), located in coding exon 15 of the APC gene, results from a C to T substitution at nucleotide position 7376. The serine at codon 2459 is replaced by phenylalanine, an amino acid with highly dissimilar properties. This amino acid position is conserved. In addition, in silico predictors for this gene do not accurately predict pathogenicity. Based on the available evidence, the clinical significance of this variant remains unclear.